The following is an entry in ClinVar:

ClinVar aggregate classification (germline): Uncertain significance (1 of 4 stars; one submission).

Submission:

Labcorp Genetics (formerly Invitae), Labcorp
Classification: Uncertain significance. Last evaluated: 2025-03-31. Review status: criteria provided, single submitter. Criteria: Invitae Variant Classification Sherloc (09022015). Collection method: clinical testing. Allele origin: germline.
Comment: This sequence change replaces alanine, which is neutral and non-polar, with valine, which is neutral and non-polar, at codon 429 of the KLC2 protein (p.Ala429Val). This variant is not present in population databases (gnomAD no frequency). This variant has not been reported in the literature in individuals affected with KLC2-related conditions. ClinVar contains an entry for this variant (Variation ID: 2835475). An algorithm developed to predict the effect of missense changes on protein structure and function (PolyPhen-2) suggests that this variant is likely to be tolerated. In summary, the available evidence is currently insufficient to determine the role of this variant in disease. Therefore, it has been classified as a Variant of Uncertain Significance.

NM_001318734.2(KLC2):c.1286C>T (p.Ala429Val)

Genes: KLC2 (kinesin light chain 2; plus strand), KLC2-AS1 (KLC2 antisense RNA 1; minus strand). Cytogenetic location: 11q13.2.
Variant type: single nucleotide variant.
Coding change: c.1286C>T on transcript NM_001318734.2 (MANE Select); coding-DNA position 1286, C replaced by T.
Protein change: p.Ala429Val; replaces alanine 429 with valine.
Molecular consequence: missense variant. On other transcripts: non-coding transcript variant (1).
Genome position (GRCh38, 1-based): chr11:66,265,187, C>T. VCF-style: chr11-66265187-C-T. GRCh37 (hg19) VCF-style: chr11-66032658-C-T.
Other names: c.1055C>T, p.Ala352Val (NM_001134774.2); c.1286C>T, p.Ala429Val (NM_001134775.2, NM_001134776.2, NM_022822.3); short protein forms A352V, A429V.
Identifiers: ClinVar variation 2835475 (VCV002835475.3), dbSNP rs1339013119, ClinGen allele CA381356811.
Genomic context (GRCh38, chr11:66,265,187, plus strand): 5'-GGGGGCCTGCTCTCACTTCTTGTGACCATTCTTTCCTCCAGGATAAGCGCCGGGACAGCG[C>T]CCCCTATGGGGAATACGGCAGCTGGTACAAGGCCTGTAAAGTAGACAGGTGAGTGGGGCG-3'
Protein context (NP_001305663.1, residues 419-439): EESKDKRRDS[Ala429Val]PYGEYGSWYK